The following is an entry in ClinVar:

ClinVar aggregate classification (germline): Uncertain significance (1 of 4 stars; one submission).

Conditions:
Perlman syndrome (PRLMNS). Identifiers: Orphanet 2849, MedGen C0796113, MONDO:0009965, OMIM 267000.

Submission:

Labcorp Genetics (formerly Invitae), Labcorp
Classification: Uncertain significance for Perlman syndrome. Last evaluated: 2020-06-22. Review status: criteria provided, single submitter. Criteria: Invitae Variant Classification Sherloc (09022015). Collection method: clinical testing. Allele origin: germline.
Comment: This variant is not present in population databases (ExAC no frequency). This variant has not been reported in the literature in individuals with DIS3L2-related conditions. Algorithms developed to predict the effect of missense changes on protein structure and function (SIFT, PolyPhen-2, Align-GVGD) all suggest that this variant is likely to be tolerated, but these predictions have not been confirmed by published functional studies and their clinical significance is uncertain. In summary, the available evidence is currently insufficient to determine the role of this variant in disease. Therefore, it has been classified as a Variant of Uncertain Significance. This sequence change replaces aspartic acid with glutamic acid at codon 307 of the DIS3L2 protein (p.Asp307Glu). The aspartic acid residue is moderately conserved and there is a small physicochemical difference between aspartic acid and glutamic acid.

NM_152383.5(DIS3L2):c.921C>G (p.Asp307Glu)

Gene: DIS3L2 (DIS3 like 3'-5' exoribonuclease 2; plus strand). Cytogenetic location: 2q37.1.
Variant type: single nucleotide variant.
Coding change: c.921C>G on transcript NM_152383.5 (MANE Select); coding-DNA position 921, C replaced by G.
Protein change: p.Asp307Glu; replaces aspartic acid 307 with glutamic acid.
Molecular consequence: missense variant. On other transcripts: non-coding transcript variant (1).
Genome position (GRCh38, 1-based): chr2:232,136,690, C>G. VCF-style: chr2-232136690-C-G. GRCh37 (hg19) VCF-style: chr2-233001400-C-G.
Other names: c.921C>G, p.Asp307Glu (NM_001257281.2); short protein forms D307E.
Identifiers: ClinVar variation 1001935 (VCV001001935.8), dbSNP rs1698368307, ClinGen allele CA351153881.